The following is an entry in ClinVar:

ClinVar aggregate classification (germline): Uncertain significance (1 of 4 stars; one submission).

Submission:

Labcorp Genetics (formerly Invitae), Labcorp
Classification: Uncertain significance. Last evaluated: 2025-04-28. Review status: criteria provided, single submitter. Criteria: Invitae Variant Classification Sherloc (09022015). Collection method: clinical testing. Allele origin: germline.
Comment: This sequence change creates a premature translational stop signal (p.Asp470Glufs*54) in the SAMD11 gene. It is expected to result in an absent or disrupted protein product. However, the current clinical and genetic evidence is not sufficient to establish whether loss-of-function variants in SAMD11 cause disease. This variant is present in population databases (no rsID available, gnomAD 0.002%). This variant has not been reported in the literature in individuals affected with SAMD11-related conditions. ClinVar contains an entry for this variant (Variation ID: 838020). In summary, the available evidence is currently insufficient to determine the role of this variant in disease. Therefore, it has been classified as a Variant of Uncertain Significance.

NM_001385641.1(SAMD11):c.1899_1902del (p.Asp633fs)

Gene: SAMD11 (sterile alpha motif domain containing 11; plus strand). Cytogenetic location: 1p36.33.
Variant type: Microsatellite.
Coding change: c.1899_1902del on transcript NM_001385641.1 (MANE Select); coding-DNA positions 1899 to 1902, 4 bases deleted (CGGA; older notation c.1899_1902delCGGA).
Protein change: p.Asp633fs; shifts the reading frame from aspartic acid 633.
Molecular consequence: frameshift variant.
Genome position (GRCh38, 1-based): chr1:942,904-942,907, CGGA deleted; deleting any 4 consecutive bases within chr1:942,900-942,907 gives the same sequence; the c. name uses the placement nearest the transcript's 3' end. VCF-style (leftmost placement, unchanged base first): chr1-942899-TCGGA-T. GRCh37 (hg19) VCF-style: chr1-878279-TCGGA-T.
Other names: c.1902_1905del, p.Asp634fs (NM_001385640.1); c.1410_1413del, p.Asp470fs (NM_152486.4); short protein forms D470fs, D633fs, D634fs.
Identifiers: ClinVar variation 838020 (VCV000838020.7), dbSNP rs1220109335, ClinGen allele CA520638233.